The following is an entry in ClinVar:

NM_001130987.2(DYSF):c.2864+1G>A

Gene: DYSF (dysferlin; plus strand). Cytogenetic location: 2p13.2.
Variant type: single nucleotide variant.
Coding change: c.2864+1G>A on transcript NM_001130987.2 (MANE Select); the canonical splice donor site of the intron after coding-DNA position 2864, G replaced by A.
Molecular consequence: splice donor variant.
Genome position (GRCh38, 1-based): chr2:71,568,339, G>A. VCF-style: chr2-71568339-G-A. GRCh37 (hg19) VCF-style: chr2-71795469-G-A.
Other names: c.2903+1G>A (NM_001130979.2); c.2861+1G>A (NM_001130981.2, NM_001130980.2); c.2810+1G>A (NM_001130978.2, NM_003494.4); c.2768+1G>A (NM_001130977.2, NM_001130976.2); c.2906+1G>A (NM_001130982.2); c.2864+1G>A (NM_001130985.2); c.2813+1G>A (NM_001130983.2, NM_001130455.2); c.2771+1G>A (NM_001130984.2, NM_001130986.2).
Identifiers: ClinVar variation 443997 (VCV000443997.23), dbSNP rs199954546, ClinGen allele CA1706298.

ClinVar aggregate classification (germline): Pathogenic. Review status: reviewed by expert panel (3 of 4 stars). 10 submissions from 10 submitters: Pathogenic (1). 9 of the submissions do not count toward it. Last evaluated 2025-03-06.

Conditions:
Autosomal recessive limb-girdle muscular dystrophy. Identifiers: Orphanet 102015, MedGen C2931907, MONDO:0015152.
Distal myopathy with anterior tibial onset. Identifiers: Orphanet 178400, MedGen C1847532, MONDO:0011721, OMIM 606768.
Miyoshi muscular dystrophy 1 (MMD1). Identifiers: Orphanet 45448, MedGen C4551973, MONDO:0024545, OMIM 254130.
Autosomal recessive limb-girdle muscular dystrophy type 2B (LGMDR2). Also called: Limb-Girdle Muscular Dystrophy Type 2B (LGMD2B); MUSCULAR DYSTROPHY, LIMB-GIRDLE, AUTOSOMAL RECESSIVE 2; MUSCULAR DYSTROPHY, LIMB-GIRDLE, TYPE 3; Limb-girdle muscular dystrophy, type 2B. Identifiers: Orphanet 268, MedGen C1850889, MONDO:0009676, OMIM 253601.
Neuromuscular disease caused by qualitative or quantitative defects of dysferlin. Also called: Dysferlinopathy; Qualitative or quantitative defects of dysferlin. Identifiers: Orphanet 207073, MedGen C2931687, MONDO:0016145.

Allele frequency attached by ClinVar (database versions not stated): gnomAD 0.00001; gnomAD exomes 0.00001; TOPMed below 0.00001; ExAC 0.00001; 1000 Genomes Project 30x 0.00016; 1000 Genomes Project 0.00020.
gnomAD v4.1: 7 of 1,613,906 alleles (0.00043%); highest among the groups gnomAD compares: East Asian, 0.0022%; no homozygotes.

Submissions (10):

ClinGen Limb Girdle Muscular Dystrophy Variant Curation Expert Panel, ClinGen
Classification: Pathogenic for Autosomal recessive limb-girdle muscular dystrophy. Last evaluated: 2025-03-06. Review status: reviewed by expert panel. Criteria: ClinGen LGMD VCEP ACMG Specifications DYSF V1.0.0. Collection method: curation. Allele origin: germline. Inheritance: Autosomal recessive inheritance.
Comment: The NM_003494.4: c.2810+1G>A variant in DYSF, which is also known as NM_001130987.2: c.2864+1G>A, occurs within the canonical splice donor site of intron 26. RNAseq analysis has shown that this variant disrupts splicing, resulting in skipping of DYSF exon 26 and a frameshift and premature truncation, p.(Tyr882SerfsTer4), with nonsense mediated decay predicted. Activation of an alternate splice donor site in exon 26 predicted to result in an inframe deletion of 8 amino acids, p.(Trp930_Thr937del), was also observed (PMID: 36983702; PVS1_Strong_RNA). These results are consistent with the SpliceAI predictions for this variant: score of 0.97 for donor loss and 0.57 for donor gain. This variant has been detected in at least four individuals with features of LGMD or absent dysferlin protein expression (PMID: 18853459, 26000923, 36983702, 34559919), including in a homozygous state in one individual without reported familial consanguinity (0.5 pts, PMID: 34559919) and confirmed in trans with a likely pathogenic or pathogenic variant in one individual (NM_003494.4: c.2811-20T>G, 1.0 pt, PMID: 36983702) (PM3). In the two other patients, a second DYSF variant was not identified. At least one patient with this variant and a second presumed diagnostic DYSF variant displayed progressive muscle weakness and absent dysferlin protein expression in skeletal muscle, which is highly specific for DYSF-related LGMD (PMID: 34559919; PP4_Strong). The filtering allele frequency of this variant is 0.000009455 (the upper threshold of the 95% CI of 5/111184 European (non-Finnish) exome chromosomes) in gnomAD v4.1.0, which is less than the ClinGen LGMD VCEP threshold (≤0.0001) (PM2_Supporting). Another nucleotide change at the same position, NM_003494.4: c.2810+1G>C, has also been reported in association with LGMD (PMID: 17994539). In summary, this variant meets the criteria to be classified as Pathogenic for autosomal recessive limb girdle muscular dystrophy based on the ACMG/AMP criteria applied, as specified by the ClinGen LGMD VCEP (LGMD VCEP specifications version 1.0.0; 03/06/2025): PVS1_Strong_RNA, PM3, PP4_Strong, PM2_Supporting.

Labcorp Genetics (formerly Invitae), Labcorp
Classification: Pathogenic for Neuromuscular disease caused by qualitative or quantitative defects of dysferlin. Last evaluated: 2025-06-02. Review status: criteria provided, single submitter. Criteria: Invitae Variant Classification Sherloc (09022015). Collection method: clinical testing. Allele origin: germline. Not counted in ClinVar's aggregate classification.
Comment: This sequence change affects a donor splice site in intron 26 of the DYSF gene. It is expected to disrupt RNA splicing. Variants that disrupt the donor or acceptor splice site typically lead to a loss of protein function (PMID: 16199547), and loss-of-function variants in DYSF are known to be pathogenic (PMID: 17698709, 20301480). This variant is present in population databases (rs199954546, gnomAD 0.002%). Disruption of this splice site has been observed in individual(s) with dysferlinopathy (PMID: 17994539, 18853459, 26000923). This variant is also known as IVS26+1G>A. ClinVar contains an entry for this variant (Variation ID: 443997). Algorithms developed to predict the effect of sequence changes on RNA splicing suggest that this variant may disrupt the consensus splice site. For these reasons, this variant has been classified as Pathogenic.

Fulgent Genetics
Classification: Likely pathogenic for Autosomal recessive limb-girdle muscular dystrophy type 2B; Miyoshi muscular dystrophy 1; Distal myopathy with anterior tibial onset. Last evaluated: 2024-01-27. Review status: criteria provided, single submitter. Criteria: ACMG Guidelines, 2015. Collection method: clinical testing. Allele origin: germline. Not counted in ClinVar's aggregate classification.

Baylor Genetics
Classification: Pathogenic for Miyoshi muscular dystrophy 1. Last evaluated: 2024-01-10. Review status: criteria provided, single submitter. Criteria: ACMG Guidelines, 2015. Collection method: clinical testing. Allele origin: unknown. Not counted in ClinVar's aggregate classification.

GeneDx
Classification: Pathogenic. Last evaluated: 2022-03-10. Review status: criteria provided, single submitter. Criteria: GeneDx Variant Classification Process June 2021. Collection method: clinical testing. Allele origin: germline. Affected: yes. Not counted in ClinVar's aggregate classification.
Comment: Canonical splice site variant predicted to result in a null allele in a gene for which loss-of-function is a known mechanism of disease; Not observed at significant frequency in large population cohorts (gnomAD); Identified in an individual with Miyoshi myopathy in published literature who also harbored a second DYSF variant in trans (Chakravorty et al., 2021); This variant is associated with the following publications: (PMID: 27602406, 31589614, 33610434, 33726816, 26000923, 22213072, Chakravorty2021[Preprint], 18853459)

Kariminejad - Najmabadi Pathology & Genetics Center
Classification: Pathogenic for Miyoshi muscular dystrophy 1; Autosomal recessive limb-girdle muscular dystrophy type 2B; Distal myopathy with anterior tibial onset. Last evaluated: 2020-10-10. Review status: criteria provided, single submitter. Criteria: ACMG Guidelines, 2015. Collection method: clinical testing. Allele origin: germline. Inheritance: Autosomal recessive inheritance. Affected: yes. Not counted in ClinVar's aggregate classification.
Comment: [PVS1, PM2, PP3, PP5]

Genomic Research Center, Shahid Beheshti University of Medical Sciences
Classification: Pathogenic for Autosomal recessive limb-girdle muscular dystrophy type 2B. Last evaluated: 2020-05-03. Review status: criteria provided, single submitter. Criteria: ACMG Guidelines, 2015. Collection method: clinical testing. Allele origin: unknown. Affected: yes. Not counted in ClinVar's aggregate classification.

Clinical Genetics and Genomics, Karolinska University Hospital
Classification: Pathogenic for Autosomal recessive limb-girdle muscular dystrophy type 2B. Last evaluated: 2017-10-11. Review status: criteria provided, single submitter. Criteria: ACMG Guidelines, 2015. Collection method: clinical testing. Allele origin: unknown. Inheritance: Autosomal recessive inheritance. Affected: yes. Observed: 1 variant allele, 1 homozygote. Not counted in ClinVar's aggregate classification.
Comment: ACMG: +PVS1 +PM2 +PP3

Neuromuscular Department, Shariati Hospital, Tehran University of Medical Sciences
Classification: Pathogenic for Miyoshi muscular dystrophy 1. Last evaluated: 2020-10-23. Review status: no assertion criteria provided. Collection method: clinical testing. Allele origin: germline. Inheritance: Autosomal recessive inheritance. Affected: yes. Not counted in ClinVar's aggregate classification.
Comment: CK had been elevated and the EMG was myopathic.

Counsyl
Classification: Likely pathogenic for Autosomal recessive limb-girdle muscular dystrophy type 2B. Last evaluated: 2017-12-22. Review status: no assertion criteria provided. Collection method: clinical testing. Allele origin: unknown. Not counted in ClinVar's aggregate classification.

Literature cited by the submitters: PubMed 16199547 (cited by Labcorp Genetics (formerly Invitae), Labcorp); PubMed 17698709 (cited by Labcorp Genetics (formerly Invitae), Labcorp); PubMed 20301480 (cited by Labcorp Genetics (formerly Invitae), Labcorp); PubMed 17994539 (cited by Labcorp Genetics (formerly Invitae), Labcorp); PubMed 18853459 (cited by Labcorp Genetics (formerly Invitae), Labcorp and Counsyl); PubMed 26000923 (cited by Labcorp Genetics (formerly Invitae), Labcorp and Counsyl); PubMed 27602406 (cited by Counsyl).